The following is an entry in ClinVar:

ClinVar aggregate classification (germline): Uncertain significance. Review status: criteria provided, multiple submitters, no conflicts (2 of 4 stars). 2 submissions from 2 submitters: Uncertain significance (2). Last evaluated 2025-09-01.

Conditions:
Hereditary cancer-predisposing syndrome. Also called: Neoplastic Syndromes, Hereditary; Tumor predisposition; Hereditary Cancer Syndrome; Hereditary neoplastic syndrome. Identifiers: Orphanet 140162, MedGen C0027672, MeSH D009386, MONDO:0015356.

Allele frequency attached by ClinVar (database versions not stated): gnomAD exomes below 0.00001; ExAC 0.00001; TOPMed 0.00002.

Submissions (2):

Ambry Genetics
Classification: Uncertain significance for Hereditary cancer-predisposing syndrome. Last evaluated: 2025-09-01. Review status: criteria provided, single submitter. Criteria: Ambry Variant Classification Scheme 2023. Collection method: clinical testing. Allele origin: germline.
Comment: The p.L884F variant (also known as c.2652A>T), located in coding exon 19 of the MSH3 gene, results from an A to T substitution at nucleotide position 2652. The leucine at codon 884 is replaced by phenylalanine, an amino acid with highly similar properties. This amino acid position is highly conserved in available vertebrate species. In addition, the in silico prediction for this alteration is inconclusive. Since supporting evidence is limited at this time, the clinical significance of this alteration remains unclear.

Labcorp Genetics (formerly Invitae), Labcorp
Classification: Uncertain significance. Last evaluated: 2025-02-27. Review status: criteria provided, single submitter. Criteria: Invitae Variant Classification Sherloc (09022015). Collection method: clinical testing. Allele origin: germline.
Comment: This sequence change replaces leucine, which is neutral and non-polar, with phenylalanine, which is neutral and non-polar, at codon 884 of the MSH3 protein (p.Leu884Phe). This variant is present in population databases (rs773478240, gnomAD 0.007%). This variant has not been reported in the literature in individuals affected with MSH3-related conditions. ClinVar contains an entry for this variant (Variation ID: 640051). An algorithm developed to predict the effect of missense changes on protein structure and function (PolyPhen-2) suggests that this variant is likely to be disruptive. In summary, the available evidence is currently insufficient to determine the role of this variant in disease. Therefore, it has been classified as a Variant of Uncertain Significance.

NM_002439.5(MSH3):c.2652A>T (p.Leu884Phe)

Gene: MSH3 (mutS homolog 3; plus strand). Cytogenetic location: 5q14.1.
Variant type: single nucleotide variant.
Coding change: c.2652A>T on transcript NM_002439.5 (MANE Select); coding-DNA position 2652, A replaced by T.
Protein change: p.Leu884Phe; replaces leucine 884 with phenylalanine.
Molecular consequence: missense variant.
Genome position (GRCh38, 1-based): chr5:80,792,841, A>T. VCF-style: chr5-80792841-A-T. GRCh37 (hg19) VCF-style: chr5-80088660-A-T.
Other names: short protein forms L884F.
Identifiers: ClinVar variation 640051 (VCV000640051.10), dbSNP rs773478240, ClinGen allele CA3328308.